The following is an entry in ClinVar:

ClinVar aggregate classification (germline): Pathogenic (1 of 4 stars; one submission).

Submission:

ISCA site 4
Classification: Pathogenic. Last evaluated: 2011-08-12. Review status: criteria provided, single submitter. Criteria: Kaminsky et al. (Genet Med. 2011). Collection method: clinical testing. Allele origin: unknown. Affected: yes. Observed: 1 variant allele.
Comment: Copy number variation identified through the course of routine clinical cytogenomic testing in postnatal populations. Clinical assertions have been curated as described in Kaminsky et al. 2011.

GRCh38/hg38 1p36.33-36.31(chr1:844347-5682587)x1

Genes: FNDC10 (fibronectin type III domain containing 10; minus strand), GABRD (gamma-aminobutyric acid type A receptor subunit delta; plus strand), GNB1 (G protein subunit beta 1; minus strand), GNB1-DT (GNB1 divergent transcript; plus strand), HES4 (hes family bHLH transcription factor 4; minus strand) and 336 more. Cytogenetic location: 1p36.33-36.31.
Variant type: copy number loss.
Change: copy number 1 (one copy instead of two) of chr1:844,347-5,682,587 (4.84 Mb, GRCh38 coordinates, 1-based), cytogenetic band 1p36.33-36.31.
Identifiers: ClinVar variation 57049 (VCV000057049.1).